The following is an entry in ClinVar:

NM_002181.4(IHH):c.20G>A (p.Arg7Gln)

Gene: IHH (Indian hedgehog signaling molecule; minus strand). Cytogenetic location: 2q35.
Variant type: single nucleotide variant.
Coding change: c.20G>A on transcript NM_002181.4 (MANE Select); coding-DNA position 20, G replaced by A.
Protein change: p.Arg7Gln; replaces arginine 7 with glutamine.
Molecular consequence: missense variant.
Genome position (GRCh38, 1-based): chr2:219,060,448, C>T on the plus strand (G>A on the coding strand, the complement: IHH is on the minus strand). VCF-style: chr2-219060448-C-T. GRCh37 (hg19) VCF-style: chr2-219925170-C-T.
Other names: short protein forms R7Q.
Identifiers: ClinVar variation 2770840 (VCV002770840.3), dbSNP rs761363200, ClinGen allele CA2116783.

ClinVar aggregate classification (germline): Uncertain significance (1 of 4 stars; one submission).

Allele frequency attached by ClinVar (database versions not stated): gnomAD exomes 0.00001; TOPMed 0.00001; ExAC 0.00008.
gnomAD v4.1: 12 of 1,539,562 alleles (0.00078%); highest among the groups gnomAD compares: Admixed American, 0.012%; no homozygotes.

Submission:

Labcorp Genetics (formerly Invitae), Labcorp
Classification: Uncertain significance. Last evaluated: 2025-04-17. Review status: criteria provided, single submitter. Criteria: Invitae Variant Classification Sherloc (09022015). Collection method: clinical testing. Allele origin: germline.
Comment: This sequence change replaces arginine, which is basic and polar, with glutamine, which is neutral and polar, at codon 7 of the IHH protein (p.Arg7Gln). This variant is present in population databases (rs761363200, gnomAD 0.02%). This variant has not been reported in the literature in individuals affected with IHH-related conditions. ClinVar contains an entry for this variant (Variation ID: 2770840). An algorithm developed to predict the effect of missense changes on protein structure and function (PolyPhen-2) suggests that this variant is likely to be tolerated. In summary, the available evidence is currently insufficient to determine the role of this variant in disease. Therefore, it has been classified as a Variant of Uncertain Significance.